The following is an entry in ClinVar:

NM_002900.3(RBP3):c.73C>A (p.Pro25Thr)

Gene: RBP3 (retinol binding protein 3; plus strand). Cytogenetic location: 10q11.22.
Variant type: single nucleotide variant.
Coding change: c.73C>A on transcript NM_002900.3 (MANE Select); coding-DNA position 73, C replaced by A.
Protein change: p.Pro25Thr; replaces proline 25 with threonine.
Molecular consequence: missense variant.
Genome position (GRCh38, 1-based): chr10:47,348,557, C>A. VCF-style: chr10-47348557-C-A. GRCh37 (hg19) VCF-style: chr10-48390805-G-T.
Other names: c.73C>A (NM_002900.2); short protein forms P25T.
Identifiers: ClinVar variation 1366166 (VCV001366166.7), dbSNP rs142651412, ClinGen allele CA5487875.

ClinVar aggregate classification (germline): Uncertain significance. Review status: criteria provided, multiple submitters, no conflicts (2 of 4 stars). 3 submissions from 3 submitters: Uncertain significance (3). Last evaluated 2024-03-25.

Conditions:
Inborn genetic diseases. Identifiers: MedGen C0950123, MeSH D030342.

Allele frequency attached by ClinVar (database versions not stated): gnomAD exomes 0.00001 and 0.00006; ExAC 0.00007; ESP Exome Variant Server 0.00015; gnomAD 0.00015 and 0.00016; TOPMed 0.00017.
gnomAD v4.1: 41 of 1,612,522 alleles (0.0025%); highest among the groups gnomAD compares: African/African-American, 0.051%; no homozygotes.

Submissions (3):

Ambry Genetics
Classification: Uncertain significance for Inborn genetic diseases. Last evaluated: 2024-03-25. Review status: criteria provided, single submitter. Criteria: Ambry Variant Classification Scheme 2023. Collection method: clinical testing. Allele origin: germline.

Labcorp Genetics (formerly Invitae), Labcorp
Classification: Uncertain significance. Last evaluated: 2022-10-04. Review status: criteria provided, single submitter. Criteria: Invitae Variant Classification Sherloc (09022015). Collection method: clinical testing. Allele origin: germline.
Comment: This sequence change replaces proline, which is neutral and non-polar, with threonine, which is neutral and polar, at codon 25 of the RBP3 protein (p.Pro25Thr). This variant is present in population databases (rs142651412, gnomAD 0.07%). This variant has not been reported in the literature in individuals affected with RBP3-related conditions. ClinVar contains an entry for this variant (Variation ID: 1366166). Algorithms developed to predict the effect of missense changes on protein structure and function (SIFT, PolyPhen-2, Align-GVGD) all suggest that this variant is likely to be disruptive. In summary, the available evidence is currently insufficient to determine the role of this variant in disease. Therefore, it has been classified as a Variant of Uncertain Significance.

Blueprint Genetics
Classification: Uncertain significance. Last evaluated: 2018-10-31. Review status: criteria provided, single submitter. Criteria: ACMG Guidelines, 2015. Collection method: clinical testing. Allele origin: germline.